The following is an entry in ClinVar:

ClinVar aggregate classification (germline): Conflicting classifications of pathogenicity. Review status: criteria provided, conflicting classifications (1 of 4 stars). 4 submissions from 4 submitters: Uncertain significance (2); Likely benign (1). 1 of the submissions does not count toward it. Last evaluated 2025-03-11.

Conditions:
Inborn genetic diseases. Identifiers: MedGen C0950123, MeSH D030342.
Smith-Magenis syndrome (SMS). Also called: CHROMOSOME 17p11.2 DELETION SYNDROME. Identifiers: Orphanet 819, MedGen C0795864, MONDO:0008434, OMIM 182290.
RAI1-related disorder. Also called: RAI1-related condition.

Allele frequency attached by ClinVar (database versions not stated): gnomAD 0.00002 and 0.00003; TOPMed 0.00002; gnomAD exomes 0.00006; ESP Exome Variant Server 0.00015.

Submissions (4):

Labcorp Genetics (formerly Invitae), Labcorp
Classification: Likely benign. Last evaluated: 2025-03-11. Review status: criteria provided, single submitter. Criteria: Invitae Variant Classification Sherloc (09022015). Collection method: clinical testing. Allele origin: germline.

Genomic Research Center, Shahid Beheshti University of Medical Sciences
Classification: Uncertain significance for Smith-Magenis syndrome. Last evaluated: 2019-01-01. Review status: criteria provided, single submitter. Criteria: ACMG Guidelines, 2015. Collection method: clinical testing. Allele origin: unknown. Affected: yes. Observed: 1 variant allele.

Ambry Genetics
Classification: Uncertain significance for Inborn genetic diseases. Last evaluated: 2017-12-18. Review status: criteria provided, single submitter. Criteria: Ambry Variant Classification Scheme 2023. Collection method: clinical testing. Allele origin: germline.
Comment: The p.R596Q variant (also known as c.1787G>A), located in coding exon 1 of the RAI1 gene, results from a G to A substitution at nucleotide position 1787. The arginine at codon 596 is replaced by glutamine, an amino acid with highly similar properties. This amino acid position is highly conserved in available vertebrate species. In addition, this alteration is predicted to be tolerated by in silico analysis. Since supporting evidence is limited at this time, the clinical significance of this alteration remains unclear.

PreventionGenetics, part of Exact Sciences
Classification: Likely benign for RAI1-related condition. Last evaluated: 2024-01-02. Review status: no assertion criteria provided. Collection method: clinical testing. Allele origin: germline. Not counted in ClinVar's aggregate classification.
Comment: This variant is classified as likely benign based on ACMG/AMP sequence variant interpretation guidelines (Richards et al. 2015 PMID: 25741868, with internal and published modifications).

NM_030665.4(RAI1):c.1787G>A (p.Arg596Gln)

Gene: RAI1 (retinoic acid induced 1; plus strand). Cytogenetic location: 17p11.2.
Variant type: single nucleotide variant.
Coding change: c.1787G>A on transcript NM_030665.4 (MANE Select); coding-DNA position 1787, G replaced by A.
Protein change: p.Arg596Gln; replaces arginine 596 with glutamine.
Molecular consequence: missense variant.
Genome position (GRCh38, 1-based): chr17:17,794,735, G>A. VCF-style: chr17-17794735-G-A. GRCh37 (hg19) VCF-style: chr17-17698049-G-A.
Other names: short protein forms R596Q.
Identifiers: ClinVar variation 634629 (VCV000634629.14), dbSNP rs200001615, ClinGen allele CA8418403.